The following is an entry in ClinVar:

NM_021076.4(NEFH):c.470_487del (p.Val157_Ala162del)

Gene: NEFH (neurofilament heavy chain; plus strand). Cytogenetic location: 22q12.2.
Variant type: Deletion.
Coding change: c.470_487del on transcript NM_021076.4 (MANE Select); coding-DNA positions 470 to 487, 18 bases deleted (TGCTGCGCCTGGGCGCGG).
Protein change: p.Val157_Ala162del.
Molecular consequence: inframe deletion.
Genome position (GRCh38, 1-based): chr22:29,480,732-29,480,749, TGCTGCGCCTGGGCGCGG deleted; deleting any 18 consecutive bases within chr22:29,480,725-29,480,749 gives the same sequence; the c. name uses the placement nearest the transcript's 3' end. VCF-style (leftmost placement, unchanged base first): chr22-29480724-CGGCGCGGTGCTGCGCCTG-C. GRCh37 (hg19) VCF-style: chr22-29876713-CGGCGCGGTGCTGCGCCTG-C.
Identifiers: ClinVar variation 2028975 (VCV002028975.4), dbSNP rs2063000097, ClinGen allele CA2580099472.
Genomic context (GRCh38, chr22:29,480,724, plus strand): 5'-GCAGCAGGCGGGCCGCTCCGCTATGGGCGAGCTGTACGAGCGCGAGGTCCGCGAGATGCG[CGGCGCGGTGCTGCGCCTG>C]GGCGCGGCGCGCGGTCAGCTACGCCTGGAGCAGGAGCACCTGCTCGAGGACATCGCGCAC-3'

ClinVar aggregate classification (germline): Uncertain significance (1 of 4 stars; one submission).

Submission:

Labcorp Genetics (formerly Invitae), Labcorp
Classification: Uncertain significance. Last evaluated: 2023-04-06. Review status: criteria provided, single submitter. Criteria: Invitae Variant Classification Sherloc (09022015). Collection method: clinical testing. Allele origin: germline.
Comment: This variant is not present in population databases (gnomAD no frequency). This variant, c.470_487del, results in the deletion of 6 amino acid(s) of the NEFH protein (p.Val157_Ala162del), but otherwise preserves the integrity of the reading frame. This variant has not been reported in the literature in individuals affected with NEFH-related conditions. ClinVar contains an entry for this variant (Variation ID: 2028975). Experimental studies and prediction algorithms are not available or were not evaluated, and the functional significance of this variant is currently unknown. In summary, the available evidence is currently insufficient to determine the role of this variant in disease. Therefore, it has been classified as a Variant of Uncertain Significance.